The following is an entry in ClinVar:

ClinVar aggregate classification (germline): Uncertain significance (1 of 4 stars; one submission).

Submission:

Labcorp Genetics (formerly Invitae), Labcorp
Classification: Uncertain significance. Last evaluated: 2021-02-17. Review status: criteria provided, single submitter. Criteria: Invitae Variant Classification Sherloc (09022015). Collection method: clinical testing. Allele origin: germline.
Comment: This variant has not been reported in the literature in individuals with POLE-related conditions. This sequence change replaces isoleucine with asparagine at codon 276 of the POLE protein (p.Ile276Asn). The isoleucine residue is highly conserved and there is a large physicochemical difference between isoleucine and asparagine. This variant is not present in population databases (ExAC no frequency). Algorithms developed to predict the effect of missense changes on protein structure and function (SIFT, PolyPhen-2, Align-GVGD) all suggest that this variant is likely to be disruptive, but these predictions have not been confirmed by published functional studies and their clinical significance is uncertain. In summary, the available evidence is currently insufficient to determine the role of this variant in disease. Therefore, it has been classified as a Variant of Uncertain Significance.

NM_006231.4(POLE):c.827T>A (p.Ile276Asn)

Gene: POLE (DNA polymerase epsilon, catalytic subunit; minus strand). Cytogenetic location: 12q24.33.
Variant type: single nucleotide variant.
Coding change: c.827T>A on transcript NM_006231.4 (MANE Select); coding-DNA position 827, T replaced by A.
Protein change: p.Ile276Asn; replaces isoleucine 276 with asparagine.
Molecular consequence: missense variant.
Genome position (GRCh38, 1-based): chr12:132,676,628, A>T on the plus strand (T>A on the coding strand, the complement: POLE is on the minus strand). VCF-style: chr12-132676628-A-T. GRCh37 (hg19) VCF-style: chr12-133253214-A-T.
Other names: short protein forms I276N.
Identifiers: ClinVar variation 1373117 (VCV001373117.8), dbSNP rs963588288, ClinGen allele CA387364334.